The following is an entry in ClinVar:

NC_000003.11:g.(?_10106403)_(10191659_?)dup

Genes: BRK1 (BRICK1 subunit of SCAR/WAVE actin nucleating complex; plus strand), FANCD2 (FA complementation group D2; plus strand), FANCD2OS (FANCD2 opposite strand; minus strand), VHL (von Hippel-Lindau tumor suppressor; plus strand), LOC107303338 (3p25 FANCD2 Alu-mediated recombination region; plus strand) and 4 more. Cytogenetic location: 3p25.3.
Variant type: Duplication.
Identifiers: ClinVar variation 584124 (VCV000584124.1).

ClinVar aggregate classification (germline): Uncertain significance (1 of 4 stars; one submission).

Conditions:
Von Hippel-Lindau syndrome (VHLS). Also called: Von Hippel-Lindau; VHL syndrome; von Hippel–Lindau syndrome. Identifiers: Orphanet 892, MedGen C0019562, MONDO:0008667, OMIM 193300. Disease mechanism: loss of function.
Chuvash polycythemia. Also called: POLYCYTHEMIA, VHL-DEPENDENT. Identifiers: Orphanet 238557, MedGen C1837915, MONDO:0009892, OMIM 263400.

Submission:

Labcorp Genetics (formerly Invitae), Labcorp
Classification: Uncertain significance for Von Hippel-Lindau syndrome; Erythrocytosis, familial, 2. Last evaluated: 2018-05-18. Review status: criteria provided, single submitter. Criteria: Invitae Variant Classification Sherloc (09022015). Collection method: clinical testing. Allele origin: germline.
Comment: This variant results in a copy number gain of the genomic region encompassing the full coding sequence of the VHL gene. The boundaries of this event are unknown as they extend beyond the assayed region for this gene and therefore may encompass additional genes. As the precise location of this event is unknown, it may be in tandem or it may be located elsewhere in the genome. This variant has not been reported in the literature in individuals with VHL-related disease. In summary, the available evidence is currently insufficient to determine the role of this variant in disease. Therefore, it has been classified as a Variant of Uncertain Significance.